The following is an entry in ClinVar:

NM_024675.4(PALB2):c.863G>A (p.Ser288Asn)

Gene: PALB2 (partner and localizer of BRCA2; minus strand). Cytogenetic location: 16p12.2.
Variant type: single nucleotide variant.
Coding change: c.863G>A on transcript NM_024675.4 (MANE Select); coding-DNA position 863, G replaced by A.
Protein change: p.Ser288Asn; replaces serine 288 with asparagine.
Molecular consequence: missense variant.
Genome position (GRCh38, 1-based): chr16:23,635,683, C>T on the plus strand (G>A on the coding strand, the complement: PALB2 is on the minus strand). VCF-style: chr16-23635683-C-T. GRCh37 (hg19) VCF-style: chr16-23647004-C-T.
Other names: short protein forms S288N.
Identifiers: ClinVar variation 928055 (VCV000928055.9), dbSNP rs1967014090, ClinGen allele CA395135822.
Genomic context (GRCh38, chr16:23,635,683, plus strand): 5'-GCTTTATTTACAAGGAGGTTATCTGTAGAGACAGTCATTTTTTTGCCTTGTGCCTCCAAA[C>T]TTACAGGTGAAGTAAATCTAATGTTTTTTAGGTCGTGAGTAGTAAGTTCACTGCTACCTT-3'
Protein context (NP_078951.2, residues 278-298): LKNIRFTSPV[Ser288Asn]LEAQGKKMTV

ClinVar aggregate classification (germline): Uncertain significance. Review status: criteria provided, multiple submitters, no conflicts (2 of 4 stars). 3 submissions from 3 submitters: Uncertain significance (3). Last evaluated 2023-12-21.

Conditions:
Familial cancer of breast. Also called: Hereditary breast cancer; BREAST CANCER, FAMILIAL; hereditary breast carcinoma. Identifiers: Orphanet 227535, MedGen C0346153, MONDO:0016419, OMIM 114480. Disease mechanism: loss of function.
Hereditary cancer-predisposing syndrome. Also called: Neoplastic Syndromes, Hereditary; Hereditary Cancer Syndrome; Tumor predisposition; Hereditary neoplastic syndrome. Identifiers: Orphanet 140162, MedGen C0027672, MeSH D009386, MONDO:0015356.

Submissions (3):

GeneDx
Classification: Uncertain significance. Last evaluated: 2023-12-21. Review status: criteria provided, single submitter. Criteria: GeneDx Variant Classification Process June 2021. Collection method: clinical testing. Allele origin: germline. Affected: yes.
Comment: Not observed at significant frequency in large population cohorts (gnomAD); In silico analysis supports that this missense variant does not alter protein structure/function; Has not been previously published as pathogenic or benign to our knowledge; This variant is associated with the following publications: (PMID: 19369211)

Labcorp Genetics (formerly Invitae), Labcorp
Classification: Uncertain significance for Familial cancer of breast. Last evaluated: 2023-07-17. Review status: criteria provided, single submitter. Criteria: Invitae Variant Classification Sherloc (09022015). Collection method: clinical testing. Allele origin: germline.
Comment: This sequence change replaces serine, which is neutral and polar, with asparagine, which is neutral and polar, at codon 288 of the PALB2 protein (p.Ser288Asn). This variant is not present in population databases (gnomAD no frequency). This variant has not been reported in the literature in individuals affected with PALB2-related conditions. ClinVar contains an entry for this variant (Variation ID: 928055). Algorithms developed to predict the effect of missense changes on protein structure and function output the following: SIFT: "Not Available"; PolyPhen-2: "Benign"; Align-GVGD: "Not Available". The asparagine amino acid residue is found in multiple mammalian species, which suggests that this missense change does not adversely affect protein function. In summary, the available evidence is currently insufficient to determine the role of this variant in disease. Therefore, it has been classified as a Variant of Uncertain Significance.

Color Diagnostics, LLC DBA Color Health
Classification: Uncertain significance for Hereditary cancer-predisposing syndrome. Last evaluated: 2022-07-26. Review status: criteria provided, single submitter. Criteria: ACMG Guidelines, 2015. Collection method: clinical testing. Allele origin: germline.
Comment: This missense variant replaces serine with asparagine at codon 288 of the PALB2 protein. Computational prediction suggests that this variant may not impact protein structure and function (internally defined REVEL score threshold <= 0.5, PMID: 27666373). To our knowledge, functional studies have not been reported for this variant. This variant has been reported in an individual affected with ovarian cancer (PMID: 3254656). This variant has not been identified in the general population by the Genome Aggregation Database (gnomAD). The available evidence is insufficient to determine the role of this variant in disease conclusively. Therefore, this variant is classified as a Variant of Uncertain Significance.

Literature cited by the submitters: PubMed 3254656 (cited by Color Diagnostics, LLC DBA Color Health).